The following is an entry in ClinVar:

NM_002485.5(NBN):c.1562_1564dup (p.Asn521_Leu522insTyr)

Gene: NBN (nibrin; minus strand). Cytogenetic location: 8q21.3.
Variant type: Duplication.
Coding change: c.1562_1564dup on transcript NM_002485.5 (MANE Select); coding-DNA positions 1562 to 1564, 3 bases duplicated (ACT; older notation c.1562_1564dupACT).
Protein change: p.Asn521_Leu522insTyr.
Molecular consequence: inframe insertion.
Genome position (GRCh38, 1-based): chr8:89,953,525-89,953,527, AGT duplicated on the plus strand (ACT on the coding strand, the reverse complement: NBN is on the minus strand). VCF-style (leftmost placement, unchanged base first): chr8-89953524-A-AAGT. GRCh37 (hg19) VCF-style: chr8-90965752-A-AAGT.
Other names: c.1316_1318dup, p.Asn439_Leu440insTyr (NM_001024688.3).
Identifiers: ClinVar variation 836214 (VCV000836214.9), dbSNP rs1810549229, ClinGen allele CA916080402.

ClinVar aggregate classification (germline): Uncertain significance (1 of 4 stars; one submission).

Conditions:
Microcephaly, normal intelligence and immunodeficiency (NBS). Also called: Ataxia telangiectasia variant V1; Nijmegen breakage syndrome; Immunodeficiency, microcephaly with normal intelligence; IMMUNODEFICIENCY, MICROCEPHALY, AND CHROMOSOMAL INSTABILITY; SEEMANOVA SYNDROME II; BERLIN BREAKAGE SYNDROME. Identifiers: Orphanet 647, MedGen C0398791, MONDO:0009623, OMIM 251260.

Submission:

Labcorp Genetics (formerly Invitae), Labcorp
Classification: Uncertain significance for Microcephaly, normal intelligence and immunodeficiency. Last evaluated: 2019-02-13. Review status: criteria provided, single submitter. Criteria: Invitae Variant Classification Sherloc (09022015). Collection method: clinical testing. Allele origin: germline.
Comment: This variant is not present in population databases (ExAC no frequency). This variant, c.1562_1564dup, results in the insertion of 1 amino acid(s) to the NBN protein (p.Asn521_Leu522insTyr), but otherwise preserves the integrity of the reading frame. This variant has not been reported in the literature in individuals with NBN-related conditions. In summary, the available evidence is currently insufficient to determine the role of this variant in disease. Therefore, it has been classified as a Variant of Uncertain Significance. Experimental studies and prediction algorithms are not available for this variant, and the functional significance of the affected amino acid(s) is currently unknown.